The following is an entry in ClinVar:

ClinVar aggregate classification (germline): Benign (3 of 4 stars; one submission).

Conditions:
Breast-ovarian cancer, familial, susceptibility to, 1 (BROVCA1). Also called: BRCA1 Hereditary Breast and Ovarian Cancer; OVARIAN CANCER, SUSCEPTIBILITY TO. Identifiers: Orphanet 145, MedGen C2676676, MONDO:0011450, OMIM 604370. Disease mechanism: loss of function.

Allele frequency attached by ClinVar (database versions not stated): TOPMed 0.30195; 1000 Genomes Project 30x 0.34697; 1000 Genomes Project 0.35304.
gnomAD v4.1: 48,073 of 151,930 alleles (32%); highest among the groups gnomAD compares: South Asian, 49%; 7,941 homozygotes.

Submission:

Evidence-based Network for the Interpretation of Germline Mutant Alleles (ENIGMA)
Classification: Benign for Breast-ovarian cancer, familial 1. Last evaluated: 2015-01-12. Review status: reviewed by expert panel. Criteria: ENIGMA BRCA1/2 Classification Criteria (2015). Collection method: curation. Allele origin: germline.
Comment: Class 1 not pathogenic based on frequency >1% in an outbred sampleset. Frequency 0.3304 (Asian), 0.2154 (African), 0.3602 (European), derived from 1000 genomes (2012-04-30).

NM_007294.4(BRCA1):c.81-2433A>C

Gene: BRCA1 (BRCA1 DNA repair associated; minus strand). Cytogenetic location: 17q21.31.
Variant type: single nucleotide variant.
Coding change: c.81-2433A>C on transcript NM_007294.4 (MANE Select); 2433 bases into the intron before coding-DNA position 81, A replaced by C.
Molecular consequence: intron variant.
Genome position (GRCh38, 1-based): chr17:43,118,212, T>G on the plus strand (A>C on the coding strand, the complement: BRCA1 is on the minus strand). VCF-style: chr17-43118212-T-G. GRCh37 (hg19) VCF-style: chr17-41270229-T-G.
Other names: IVS 2-2433A>C; c.81-2433A>C (NM_001408406.1, NM_001407641.1, NM_001407624.1 and 191 more transcripts); c.-339-2433A>C (NM_001407965.1); c.-177-2433A>C (NM_001407930.1, NM_001407843.1, NM_001408456.1 and 12 more transcripts); c.-181-2433A>C (NM_001408465.1, NM_001407695.1); c.-109+909A>C (NM_001408482.1); c.-62+909A>C (NM_001407920.1, NM_001407697.1, NM_001407846.1); c.-178+909A>C (NM_001407696.1); and 15 more.
Identifiers: ClinVar variation 209545 (VCV000209545.2), dbSNP rs8176092, ClinGen allele CA276514.
Genomic context (GRCh38, chr17:43,118,212, plus strand): 5'-CACTATGCAACAATTAGGGGAAGAGCATTCCAAGAAAGAGGGAGCAGAGAAGGCAAACCC[T>G]GAGCAGGACCATGCCTGTGTATGCAGGACATCAGATAGGTCAAGGTGCTAAAATGTAATA-3'